The following is an entry in ClinVar:

NM_014956.5(CEP164):c.1967AGG[3] (p.Glu659del)

Gene: CEP164 (centrosomal protein 164; plus strand). Cytogenetic location: 11q23.3.
Variant type: Microsatellite.
Coding change: c.1967AGG[3] on transcript NM_014956.5 (MANE Select); three copies in a row of the 3-base unit AGG starting at c.1967; the reference has four copies in a row; one copy, 3 bases deleted; also written c.1976_1978del.
Protein change: p.Glu659del; deletes glutamic acid 659.
Molecular consequence: inframe deletion.
Genome position (GRCh38, 1-based): chr11:117,390,818-117,390,820, AGG deleted; deleting any 3 consecutive bases within chr11:117,390,808-117,390,820 gives the same sequence; the position shown is the placement nearest the transcript's 3' end. VCF-style (leftmost placement, unchanged base first): chr11-117390807-TGAG-T. GRCh37 (hg19) VCF-style: chr11-117261523-TGAG-T.
Other names: c.1976_1978del (NM_014956.5); c.1976AGG[3], p.Glu662del (NM_001271933.2); c.1976_1978delAGG (NM_014956.4); short protein forms E659del, E662del.
Identifiers: ClinVar variation 1444578 (VCV001444578.6), dbSNP rs1393409770, ClinGen allele CA602137363.

ClinVar aggregate classification (germline): Uncertain significance. Review status: criteria provided, multiple submitters, no conflicts (2 of 4 stars). 3 submissions from 3 submitters: Uncertain significance (3). Last evaluated 2025-09-18.

Conditions:
CEP164-related disorder. Also called: CEP164-related condition.
Nephronophthisis 15 (NPHP15). Identifiers: Orphanet 3156, MedGen C3541853, MONDO:0013917, OMIM 614845.

Submissions (3):

PreventionGenetics, part of Exact Sciences
Classification: Uncertain significance for CEP164-related condition. Last evaluated: 2025-09-18. Review status: criteria provided, single submitter. Criteria: ACMG Guidelines, 2015. Collection method: clinical testing. Allele origin: germline.
Comment: The CEP164 c.1976_1978delAGG variant is predicted to result in an in-frame deletion (p.Glu659del). To our knowledge, this variant has not been reported in the literature. This variant is reported in 0.00088% of alleles in individuals of European (Non-Finnish) descent in gnomAD. At this time, the clinical significance of this variant is uncertain due to the absence of conclusive functional and genetic evidence.

Fulgent Genetics
Classification: Uncertain significance for Nephronophthisis 15. Last evaluated: 2024-06-18. Review status: criteria provided, single submitter. Criteria: ACMG Guidelines, 2015. Collection method: clinical testing. Allele origin: germline.

Labcorp Genetics (formerly Invitae), Labcorp
Classification: Uncertain significance for Nephronophthisis 15. Last evaluated: 2021-12-28. Review status: criteria provided, single submitter. Criteria: Invitae Variant Classification Sherloc (09022015). Collection method: clinical testing. Allele origin: germline.
Comment: The frequency data for this variant in the population databases is considered unreliable, as metrics indicate poor data quality at this position in the gnomAD database. This variant, c.1976_1978del, results in the deletion of 1 amino acid(s) of the CEP164 protein (p.Glu659del), but otherwise preserves the integrity of the reading frame. This variant has not been reported in the literature in individuals affected with CEP164-related conditions. In summary, the available evidence is currently insufficient to determine the role of this variant in disease. Therefore, it has been classified as a Variant of Uncertain Significance. Experimental studies and prediction algorithms are not available or were not evaluated, and the functional significance of this variant is currently unknown.